The following is an entry in ClinVar:

NM_000071.3(CBS):c.1237C>T (p.Arg413Cys)

Gene: CBS (cystathionine beta-synthase; minus strand). Cytogenetic location: 21q22.3.
Variant type: single nucleotide variant.
Coding change: c.1237C>T on transcript NM_000071.3 (MANE Select); coding-DNA position 1237, C replaced by T.
Protein change: p.Arg413Cys; replaces arginine 413 with cysteine.
Molecular consequence: missense variant.
Genome position (GRCh38, 1-based): chr21:43,058,955, G>A on the plus strand (C>T on the coding strand, the complement: CBS is on the minus strand). VCF-style: chr21-43058955-G-A. GRCh37 (hg19) VCF-style: chr21-44479065-G-A.
Other names: c.1237C>T, p.Arg413Cys (NM_001178008.3, NM_001178009.3, NM_001320298.2); c.922C>T, p.Arg308Cys (NM_001321072.1); short protein forms R308C, R413C.
Identifiers: ClinVar variation 639664 (VCV000639664.14), dbSNP rs767595472, ClinGen allele CA321688091.
Genomic context (GRCh38, chr21:43,058,955, plus strand): 5'-GCCCACAGGTGATGGTCGGGAGCACGGTCAGCGGGGCTGACAGGCCCAGCTCCTGAACAC[G>A]GAGGTGCCACCACCTGAGGGAAGAGGGCAGGTCGGGGGGATCAGGATAAGGACAAACGCT-3'
Protein context (NP_000062.1, residues 403-423): TEKKPWWWHL[Arg413Cys]VQELGLSAPL

ClinVar aggregate classification (germline): Uncertain significance. Review status: criteria provided, multiple submitters, no conflicts (2 of 4 stars). 3 submissions from 3 submitters: Uncertain significance (2). 1 of the submissions does not count toward it. Last evaluated 2022-08-03.

Conditions:
Classic homocystinuria. Also called: Homocystinuria due to Cystathionine Beta-Synthase Deficiency; Homocystinuria due to CBS deficiency; Cystathionine beta-synthase deficiency; CBS deficiency; HOMOCYSTINURIA WITH OR WITHOUT RESPONSE TO PYRIDOXINE. Identifiers: Orphanet 394, MedGen C0751202, MONDO:0009352, OMIM 236200.
HYPERHOMOCYSTEINEMIA, THROMBOTIC, CBS-RELATED. Identifiers: MedGen C3150344, OMIM 236200.

Allele frequency attached by ClinVar (database versions not stated): gnomAD exomes below 0.00001; ExAC 0.00002.

Submissions (3):

Labcorp Genetics (formerly Invitae), Labcorp
Classification: Uncertain significance for HYPERHOMOCYSTEINEMIA, THROMBOTIC, CBS-RELATED. Last evaluated: 2022-08-03. Review status: criteria provided, single submitter. Criteria: Invitae Variant Classification Sherloc (09022015). Collection method: clinical testing. Allele origin: germline.
Comment: This sequence change replaces arginine, which is basic and polar, with cysteine, which is neutral and slightly polar, at codon 413 of the CBS protein (p.Arg413Cys). The frequency data for this variant in the population databases is considered unreliable, as metrics indicate poor data quality at this position in the gnomAD database. This variant has not been reported in the literature in individuals affected with CBS-related conditions. ClinVar contains an entry for this variant (Variation ID: 639664). Algorithms developed to predict the effect of missense changes on protein structure and function are either unavailable or do not agree on the potential impact of this missense change (SIFT: "Deleterious"; PolyPhen-2: "Benign"; Align-GVGD: "Class C0"). In summary, the available evidence is currently insufficient to determine the role of this variant in disease. Therefore, it has been classified as a Variant of Uncertain Significance.

Illumina Laboratory Services, Illumina
Classification: Uncertain significance for Classic homocystinuria. Last evaluated: 2017-04-27. Review status: criteria provided, single submitter. Criteria: ICSL Variant Classification Criteria 13 December 2019. Collection method: clinical testing. Allele origin: germline.

Natera, Inc.
Classification: Uncertain significance for Homocystinuria due to cystathionine beta-synthase deficiency. Last evaluated: 2020-12-29. Review status: no assertion criteria provided. Collection method: clinical testing. Allele origin: germline. Not counted in ClinVar's aggregate classification.